The following is an entry in ClinVar:

NM_006231.4(POLE):c.5302G>T (p.Asp1768Tyr)

Gene: POLE (DNA polymerase epsilon, catalytic subunit; minus strand). Cytogenetic location: 12q24.33.
Variant type: single nucleotide variant.
Coding change: c.5302G>T on transcript NM_006231.4 (MANE Select); coding-DNA position 5302, G replaced by T.
Protein change: p.Asp1768Tyr; replaces aspartic acid 1768 with tyrosine.
Molecular consequence: missense variant.
Genome position (GRCh38, 1-based): chr12:132,641,723, C>A on the plus strand (G>T on the coding strand, the complement: POLE is on the minus strand). VCF-style: chr12-132641723-C-A. GRCh37 (hg19) VCF-style: chr12-133218309-C-A.
Other names: c.5302G>T (NM_006231.2); short protein forms D1768Y.
Identifiers: ClinVar variation 861342 (VCV000861342.10), dbSNP rs2042146868, ClinGen allele CA387376062.

ClinVar aggregate classification (germline): Uncertain significance. Review status: criteria provided, multiple submitters, no conflicts (2 of 4 stars). 2 submissions from 2 submitters: Uncertain significance (2). Last evaluated 2024-05-04.

Conditions:
Hereditary cancer-predisposing syndrome. Also called: Tumor predisposition; Hereditary neoplastic syndrome; Neoplastic Syndromes, Hereditary; Hereditary Cancer Syndrome. Identifiers: Orphanet 140162, MedGen C0027672, MeSH D009386, MONDO:0015356.

Submissions (2):

Ambry Genetics
Classification: Uncertain significance for Hereditary cancer-predisposing syndrome. Last evaluated: 2024-05-04. Review status: criteria provided, single submitter. Criteria: Ambry Variant Classification Scheme 2023. Collection method: clinical testing. Allele origin: germline.
Comment: The p.D1768Y variant (also known as c.5302G>T), located in coding exon 39 of the POLE gene, results from a G to T substitution at nucleotide position 5302. The aspartic acid at codon 1768 is replaced by tyrosine, an amino acid with highly dissimilar properties. This amino acid position is conserved. In addition, this alteration is predicted to be tolerated by in silico analysis. Based on the available evidence, the clinical significance of this variant remains unclear.

Labcorp Genetics (formerly Invitae), Labcorp
Classification: Uncertain significance. Last evaluated: 2022-08-06. Review status: criteria provided, single submitter. Criteria: Invitae Variant Classification Sherloc (09022015). Collection method: clinical testing. Allele origin: germline.
Comment: ClinVar contains an entry for this variant (Variation ID: 861342). This sequence change replaces aspartic acid, which is acidic and polar, with tyrosine, which is neutral and polar, at codon 1768 of the POLE protein (p.Asp1768Tyr). This variant is not present in population databases (gnomAD no frequency). This variant has not been reported in the literature in individuals affected with POLE-related conditions. Algorithms developed to predict the effect of missense changes on protein structure and function (SIFT, PolyPhen-2, Align-GVGD) all suggest that this variant is likely to be disruptive. In summary, the available evidence is currently insufficient to determine the role of this variant in disease. Therefore, it has been classified as a Variant of Uncertain Significance.